The following is an entry in ClinVar:

NM_001303256.3(MORC2):c.1198C>T (p.Gln400Ter)

Gene: MORC2 (MORC family CW-type zinc finger 2; minus strand). Cytogenetic location: 22q12.2.
Variant type: single nucleotide variant.
Coding change: c.1198C>T on transcript NM_001303256.3 (MANE Select); coding-DNA position 1198, C replaced by T.
Protein change: p.Gln400Ter; replaces glutamine 400 with a stop codon.
Molecular consequence: nonsense.
Genome position (GRCh38, 1-based): chr22:30,938,081, G>A on the plus strand (C>T on the coding strand, the complement: MORC2 is on the minus strand). VCF-style: chr22-30938081-G-A. GRCh37 (hg19) VCF-style: chr22-31334068-G-A.
Other names: c.1198C>T, p.Gln400Ter (NM_001303257.2); c.1012C>T, p.Gln338Ter (NM_014941.3); short protein forms Q400*, Q338*.
Identifiers: ClinVar variation 3781232 (VCV003781232.1).
Genomic context (GRCh38, chr22:30,938,081, plus strand): 5'-GCCAACTATCCTGGGCTAGACAGCTCTCTGTGGGTAGTACTCACATGCCCCCTTCCAGCT[G>A]TGGGCCCACTTTCTCATACATTTTGATCAGTCGGCTACAGTTGTAGATGAACATGCCATC-3'

ClinVar aggregate classification (germline): Uncertain significance (1 of 4 stars; one submission).

Submission:

GeneDx
Classification: Uncertain significance. Last evaluated: 2024-10-16. Review status: criteria provided, single submitter. Criteria: GeneDx Variant Classification Process June 2021. Collection method: clinical testing. Allele origin: germline. Affected: yes.
Comment: Not observed at significant frequency in large population cohorts (gnomAD); Has not been previously published as pathogenic or benign to our knowledge; Nonsense variant predicted to result in protein truncation or nonsense mediated decay in a gene for which loss-of-function is not a known mechanism of disease